The following is an entry in ClinVar:

NM_139076.3(ABRAXAS1):c.128A>G (p.Asn43Ser)

Gene: ABRAXAS1 (abraxas 1, BRCA1 A complex subunit; minus strand). Cytogenetic location: 4q21.23.
Variant type: single nucleotide variant.
Coding change: c.128A>G on transcript NM_139076.3 (MANE Select); coding-DNA position 128, A replaced by G.
Protein change: p.Asn43Ser; replaces asparagine 43 with serine.
Molecular consequence: missense variant. On other transcripts: 5 prime UTR variant (1).
Genome position (GRCh38, 1-based): chr4:83,482,204, T>C on the plus strand (A>G on the coding strand, the complement: ABRAXAS1 is on the minus strand). VCF-style: chr4-83482204-T-C. GRCh37 (hg19) VCF-style: chr4-84403357-T-C.
Other names: c.-133A>G (NM_001345962.2); short protein forms N43S.
Identifiers: ClinVar variation 3796825 (VCV003796825.2).

ClinVar aggregate classification (germline): Uncertain significance. Review status: criteria provided, multiple submitters, no conflicts (2 of 4 stars). 2 submissions from 2 submitters: Uncertain significance (2). Last evaluated 2025-03-15.

gnomAD v4.1: 1 of 1,612,724 alleles (0.000062%); highest among the groups gnomAD compares: Non-Finnish European, 0.000085%; no homozygotes.

Submissions (2):

Labcorp Genetics (formerly Invitae), Labcorp
Classification: Uncertain significance. Last evaluated: 2025-03-15. Review status: criteria provided, single submitter. Criteria: Invitae Variant Classification Sherloc (09022015). Collection method: clinical testing. Allele origin: germline.
Comment: This sequence change replaces asparagine, which is neutral and polar, with serine, which is neutral and polar, at codon 43 of the ABRAXAS1 protein (p.Asn43Ser). This variant is present in population databases (no rsID available, gnomAD 0.0009%). This variant has not been reported in the literature in individuals affected with ABRAXAS1-related conditions. Invitae Evidence Modeling of protein sequence and biophysical properties (such as structural, functional, and spatial information, amino acid conservation, physicochemical variation, residue mobility, and thermodynamic stability) indicates that this missense variant is not expected to disrupt ABRAXAS1 protein function with a negative predictive value of 80%. In summary, the available evidence is currently insufficient to determine the role of this variant in disease. Therefore, it has been classified as a Variant of Uncertain Significance.

Ambry Genetics
Classification: Uncertain significance. Last evaluated: 2024-12-12. Review status: criteria provided, single submitter. Criteria: Ambry Variant Classification Scheme 2023. Collection method: clinical testing. Allele origin: germline.
Comment: The p.N43S variant (also known as c.128A>G), located in coding exon 2 of the FAM175A gene, results from an A to G substitution at nucleotide position 128. The asparagine at codon 43 is replaced by serine, an amino acid with highly similar properties. This amino acid position is conserved. In addition, this alteration is predicted to be tolerated by in silico analysis. Based on the available evidence, the clinical significance of this variant remains unclear.